The following is an entry in ClinVar:

NM_001042545.2(LTBP4):c.2180-20C>A

Gene: LTBP4 (latent transforming growth factor beta binding protein 4; plus strand). Cytogenetic location: 19q13.2.
Variant type: single nucleotide variant.
Coding change: c.2180-20C>A on transcript NM_001042545.2 (MANE Select); 20 bases into the intron before coding-DNA position 2180, C replaced by A.
Molecular consequence: intron variant.
Genome position (GRCh38, 1-based): chr19:40,612,053, C>A. VCF-style: chr19-40612053-C-A. GRCh37 (hg19) VCF-style: chr19-41117959-C-A.
Other names: c.2270-20C>A (NM_003573.2); c.2381-20C>A (NM_001042544.1).
Identifiers: ClinVar variation 669211 (VCV000669211.1), dbSNP rs781230313, ClinGen allele CA9448574.

ClinVar aggregate classification (germline): Likely benign (1 of 4 stars; one submission).

Allele frequency attached by ClinVar (database versions not stated): gnomAD exomes below 0.00001; ExAC 0.00001; gnomAD 0.00001.
gnomAD v4.1: 3 of 1,612,102 alleles (0.00019%); highest among the groups gnomAD compares: Non-Finnish European, 0.00025%; no homozygotes.

Submission:

GeneDx
Classification: Likely benign. Last evaluated: 2018-06-04. Review status: criteria provided, single submitter. Criteria: GeneDx Variant Classification (06012015). Collection method: clinical testing. Allele origin: germline. Affected: yes.
Comment: This variant is considered likely benign or benign based on one or more of the following criteria: it is a conservative change, it occurs at a poorly conserved position in the protein, it is predicted to be benign by multiple in silico algorithms, and/or has population frequency not consistent with disease.